The following is an entry in ClinVar:

NM_000257.4(MYH7):c.4964T>C (p.Ile1655Thr)

Genes: MHRT (myosin heavy chain associated RNA transcript; plus strand), MYH7 (myosin heavy chain 7; minus strand), LOC126861897 (BRD4-independent group 4 enhancer GRCh37_chr14:23884455-23885654; plus strand). Cytogenetic location: 14q11.2.
Variant type: single nucleotide variant.
Coding change: c.4964T>C on transcript NM_000257.4 (MANE Select); coding-DNA position 4964, T replaced by C.
Protein change: p.Ile1655Thr; replaces isoleucine 1655 with threonine.
Molecular consequence: missense variant. On other transcripts: non-coding transcript variant (1).
Genome position (GRCh38, 1-based): chr14:23,415,822, A>G on the plus strand (T>C on the coding strand, the complement: MYH7 is on the minus strand). VCF-style: chr14-23415822-A-G. GRCh37 (hg19) VCF-style: chr14-23885031-A-G.
Other names: short protein forms I1655T.
Identifiers: ClinVar variation 928427 (VCV000928427.4), dbSNP rs1892177990, ClinGen allele CA389037236.

ClinVar aggregate classification (germline): Uncertain significance (1 of 4 stars; one submission).

Conditions:
Cardiomyopathy (CMYO). Also called: Cardiomyopathies. Identifiers: Orphanet 167848, MedGen C0878544, MONDO:0004994, HP:0001638. Inheritance: Various modes of inheritance.

Submission:

Color Diagnostics, LLC DBA Color Health
Classification: Uncertain significance for Cardiomyopathy. Last evaluated: 2024-03-06. Review status: criteria provided, single submitter. Criteria: ACMG Guidelines, 2015. Collection method: clinical testing. Allele origin: germline.
Comment: This missense variant replaces isoleucine with threonine at codon 1655 of the MYH7 protein. Computational prediction suggests that this variant may not impact protein structure and function (internally defined REVEL score threshold <= 0.5, PMID: 27666373). Splice site prediction tools suggest that this variant may not impact RNA splicing. To our knowledge, functional studies have not been performed for this variant. This variant has not been reported in individuals affected with cardiovascular disorders in the literature. This variant has not been identified in the general population by the Genome Aggregation Database (gnomAD). The available evidence is insufficient to determine the role of this variant in disease conclusively. Therefore, this variant is classified as a Variant of Uncertain Significance.